The following is an entry in ClinVar:

ClinVar aggregate classification (germline): Uncertain significance (1 of 4 stars; one submission).

Conditions:
Familial acute necrotizing encephalopathy (IIAE3). Also called: ENCEPHALOPATHY, ACUTE, INFECTION-INDUCED, SUSCEPTIBILITY TO, 3; Susceptibility to Acute Necrotizing Encephalopathy 1. Identifiers: Orphanet 88619, MedGen C2675556, MONDO:0011953, OMIM 608033.

Submission:

Labcorp Genetics (formerly Invitae), Labcorp
Classification: Uncertain significance for Familial acute necrotizing encephalopathy. Last evaluated: 2022-03-23. Review status: criteria provided, single submitter. Criteria: Invitae Variant Classification Sherloc (09022015). Collection method: clinical testing. Allele origin: germline.
Comment: This sequence change replaces leucine, which is neutral and non-polar, with valine, which is neutral and non-polar, at codon 2819 of the RANBP2 protein (p.Leu2819Val). In summary, the available evidence is currently insufficient to determine the role of this variant in disease. Therefore, it has been classified as a Variant of Uncertain Significance. Algorithms developed to predict the effect of missense changes on protein structure and function are either unavailable or do not agree on the potential impact of this missense change (SIFT: "Deleterious"; PolyPhen-2: "Benign"; Align-GVGD: "Class C25"). This variant has not been reported in the literature in individuals affected with RANBP2-related conditions. This variant is not present in population databases (gnomAD no frequency).

NM_006267.5(RANBP2):c.8455T>G (p.Leu2819Val)

Gene: RANBP2 (RAN binding protein 2; plus strand). Cytogenetic location: 2q13.
Variant type: single nucleotide variant.
Coding change: c.8455T>G on transcript NM_006267.5 (MANE Select); coding-DNA position 8455, T replaced by G.
Protein change: p.Leu2819Val; replaces leucine 2819 with valine.
Molecular consequence: missense variant.
Genome position (GRCh38, 1-based): chr2:108,775,894, T>G. VCF-style: chr2-108775894-T-G. GRCh37 (hg19) VCF-style: chr2-109392350-T-G.
Other names: short protein forms L2819V.
Identifiers: ClinVar variation 1518645 (VCV001518645.9), dbSNP rs2149311826, ClinGen allele CA348083439.
Genomic context (GRCh38, chr2:108,775,894, plus strand): 5'-ATTACCAAATCCATTAGTTCACCATCTGTTTCCTCTGAAACTATGGACAAACCTGTAGAT[T>G]TGTCAACTAGAAAGGAAATTGATACAGATTCTACAAGCCAAGGTAAATCTTGATATATGT-3'
Protein context (NP_006258.3, residues 2809-2829): SSETMDKPVD[Leu2819Val]STRKEIDTDS